The following is an entry in ClinVar:

ClinVar aggregate classification (germline): Uncertain significance (1 of 4 stars; one submission).

Conditions:
Hereditary cancer-predisposing syndrome. Also called: Neoplastic Syndromes, Hereditary; Tumor predisposition; Hereditary neoplastic syndrome; Hereditary Cancer Syndrome. Identifiers: Orphanet 140162, MedGen C0027672, MeSH D009386, MONDO:0015356.

Submission:

Ambry Genetics
Classification: Uncertain significance for Hereditary cancer-predisposing syndrome. Last evaluated: 2023-11-16. Review status: criteria provided, single submitter. Criteria: Ambry Variant Classification Scheme 2023. Collection method: clinical testing. Allele origin: germline.
Comment: The p.L530F variant (also known as c.1588C>T), located in coding exon 4 of the MET gene, results from a C to T substitution at nucleotide position 1588. The leucine at codon 530 is replaced by phenylalanine, an amino acid with highly similar properties. This amino acid position is highly conserved in available vertebrate species. In addition, the in silico prediction for this alteration is inconclusive. Since supporting evidence is limited at this time, the clinical significance of this alteration remains unclear.

NM_000245.4(MET):c.1588C>T (p.Leu530Phe)

Gene: MET (MET proto-oncogene, receptor tyrosine kinase; plus strand). Cytogenetic location: 7q31.2.
Variant type: single nucleotide variant.
Coding change: c.1588C>T on transcript NM_000245.4 (MANE Select); coding-DNA position 1588, C replaced by T.
Protein change: p.Leu530Phe; replaces leucine 530 with phenylalanine.
Molecular consequence: missense variant.
Genome position (GRCh38, 1-based): chr7:116,740,912, C>T. VCF-style: chr7-116740912-C-T. GRCh37 (hg19) VCF-style: chr7-116380966-C-T.
Other names: c.1588C>T, p.Leu530Phe (NM_001127500.3, NM_001324401.3); c.298C>T, p.Leu100Phe (NM_001324402.2); short protein forms L100F, L530F.
Identifiers: ClinVar variation 3232912 (VCV003232912.1), dbSNP rs2485644814, ClinGen allele CA368975317.
Genomic context (GRCh38, chr7:116,740,912, plus strand): 5'-ATCACGAAGATCCCATTGAATGGCTTGGGCTGCAGACATTTCCAGTCCTGCAGTCAATGC[C>T]TCTCTGCCCCACCCTTTGTTCAGTGTGGCTGGTGCCACGACAAATGTGTGCGATCGGAGG-3'
Protein context (NP_000236.2, residues 520-540): CRHFQSCSQC[Leu530Phe]SAPPFVQCGW